The following is an entry in ClinVar:

ClinVar aggregate classification (germline): Uncertain significance (1 of 4 stars; one submission).

gnomAD v4.1: 1 of 1,274,400 alleles (0.000078%); highest among the groups gnomAD compares: Admixed American, 0.0028%; no homozygotes.

Submission:

Labcorp Genetics (formerly Invitae), Labcorp
Classification: Uncertain significance. Last evaluated: 2025-12-24. Review status: criteria provided, single submitter. Criteria: Invitae Variant Classification Sherloc (09022015). Collection method: clinical testing. Allele origin: germline.
Comment: This sequence change replaces methionine, which is neutral and non-polar, with leucine, which is neutral and non-polar, at codon 9 of the DIP2C protein (p.Met9Leu). This variant is not present in population databases (gnomAD no frequency). This variant has not been reported in the literature in individuals affected with DIP2C-related conditions. An algorithm developed to predict the effect of missense changes on protein structure and function (PolyPhen-2) suggests that this variant is likely to be tolerated. In summary, the available evidence is currently insufficient to determine the role of this variant in disease. Therefore, it has been classified as a Variant of Uncertain Significance.

NM_014974.3(DIP2C):c.25A>C (p.Met9Leu)

Gene: DIP2C (DIP2 acetate--CoA ligase C (putative); minus strand). Cytogenetic location: 10p15.3.
Variant type: single nucleotide variant.
Coding change: c.25A>C on transcript NM_014974.3 (MANE Select); coding-DNA position 25, A replaced by C.
Protein change: p.Met9Leu; replaces methionine 9 with leucine.
Molecular consequence: missense variant.
Genome position (GRCh38, 1-based): chr10:689,554, T>G on the plus strand (A>C on the coding strand, the complement: DIP2C is on the minus strand). VCF-style: chr10-689554-T-G. GRCh37 (hg19) VCF-style: chr10-735494-T-G.
Other names: short protein forms M9L.
Identifiers: ClinVar variation 4763313 (VCV004763313.1).